The following is an entry in ClinVar:

NM_001287.6(CLCN7):c.2228C>T (p.Pro743Leu)

Gene: CLCN7 (chloride voltage-gated channel 7; minus strand). Cytogenetic location: 16p13.3.
Variant type: single nucleotide variant.
Coding change: c.2228C>T on transcript NM_001287.6 (MANE Select); coding-DNA position 2228, C replaced by T.
Protein change: p.Pro743Leu; replaces proline 743 with leucine.
Molecular consequence: missense variant.
Genome position (GRCh38, 1-based): chr16:1,447,414, G>A on the plus strand (C>T on the coding strand, the complement: CLCN7 is on the minus strand). VCF-style: chr16-1447414-G-A. GRCh37 (hg19) VCF-style: chr16-1497415-G-A.
Other names: c.2156C>T, p.Pro719Leu (NM_001114331.3); short protein forms P743L, P719L.
Identifiers: ClinVar variation 1380988 (VCV001380988.8), dbSNP rs2142365609, ClinGen allele CA394185490.
Genomic context (GRCh38, chr16:1,447,414, plus strand): 5'-TCCCAGGCCCCACGCCCATGCCCATGCCCTGCACATGCCTGGGGCACCGTGTAGGGGGAG[G>A]GGTTCATGAACTCGGAGAGGTCCATGGTGCACTCCCGCTCGTCCTGGGACACGTGGATGG-3'
Protein context (NP_001278.1, residues 733-753): CTMDLSEFMN[Pro743Leu]SPYTVPQEAS

ClinVar aggregate classification (germline): Uncertain significance (1 of 4 stars; one submission).

gnomAD v4.1: 6 of 1,550,732 alleles (0.00039%); highest among the groups gnomAD compares: Non-Finnish European, 0.00052%; no homozygotes.

Submission:

Labcorp Genetics (formerly Invitae), Labcorp
Classification: Uncertain significance. Last evaluated: 2024-11-05. Review status: criteria provided, single submitter. Criteria: Invitae Variant Classification Sherloc (09022015). Collection method: clinical testing. Allele origin: germline.
Comment: This sequence change replaces proline, which is neutral and non-polar, with leucine, which is neutral and non-polar, at codon 743 of the CLCN7 protein (p.Pro743Leu). This variant is not present in population databases (gnomAD no frequency). This variant has not been reported in the literature in individuals affected with CLCN7-related conditions. ClinVar contains an entry for this variant (Variation ID: 1380988). An algorithm developed to predict the effect of missense changes on protein structure and function (PolyPhen-2) suggests that this variant is likely to be disruptive. In summary, the available evidence is currently insufficient to determine the role of this variant in disease. Therefore, it has been classified as a Variant of Uncertain Significance.